The following is an entry in ClinVar:

NM_001009944.3(PKD1):c.5179C>G (p.Pro1727Ala)

Gene: PKD1 (polycystin 1, transient receptor potential channel interacting; minus strand). Cytogenetic location: 16p13.3.
Variant type: single nucleotide variant.
Coding change: c.5179C>G on transcript NM_001009944.3 (MANE Select); coding-DNA position 5179, C replaced by G.
Protein change: p.Pro1727Ala; replaces proline 1727 with alanine.
Molecular consequence: missense variant.
Genome position (GRCh38, 1-based): chr16:2,109,988, G>C on the plus strand (C>G on the coding strand, the complement: PKD1 is on the minus strand). VCF-style: chr16-2109988-G-C. GRCh37 (hg19) VCF-style: chr16-2159989-G-C.
Other names: c.5179C>G (NM_000296.3); c.5179C>G, p.Pro1727Ala (NM_000296.4); short protein forms P1727A.
Identifiers: ClinVar variation 3382078 (VCV003382078.3).

ClinVar aggregate classification (germline): Uncertain significance. Review status: criteria provided, multiple submitters, no conflicts (2 of 4 stars). 3 submissions from 3 submitters: Uncertain significance (3). Last evaluated 2025-07-16.

Conditions:
Inborn genetic diseases. Identifiers: MedGen C0950123, MeSH D030342.
Polycystic kidney disease, adult type (PKD1). Also called: POLYCYSTIC KIDNEY DISEASE, ADULT, TYPE I; Polycystic Kidney Disease 1, Autosomal Dominant; Polycystic kidney disease 1; Polycystic kidney disease 1, severe; Polycystic Kidney, Autosomal Dominant; POLYCYSTIC KIDNEY DISEASE 1 WITH OR WITHOUT POLYCYSTIC LIVER DISEASE. Identifiers: MedGen C3149841, MONDO:0008263, OMIM 173900.

gnomAD v4.1: 12 of 1,609,882 alleles (0.00075%); highest among the groups gnomAD compares: South Asian, 0.0077%; no homozygotes.

Submissions (3):

Ambry Genetics
Classification: Uncertain significance for Inborn genetic diseases. Last evaluated: 2025-07-16. Review status: criteria provided, single submitter. Criteria: Ambry Variant Classification Scheme 2023. Collection method: clinical testing. Allele origin: germline.

Fulgent Genetics
Classification: Uncertain significance for Polycystic kidney disease, adult type. Last evaluated: 2024-05-10. Review status: criteria provided, single submitter. Criteria: ACMG Guidelines, 2015. Collection method: clinical testing. Allele origin: germline.

Juno Genomics, Hangzhou Juno Genomics, Inc
Classification: Uncertain significance for Polycystic kidney disease, adult type. Review status: criteria provided, single submitter. Criteria: ACMG Guidelines, 2015. Collection method: clinical testing. Allele origin: germline. Affected: yes.
Comment: Absent from controls (or at extremely low frequency if recessive) in Genome Aggregation Database, Exome Sequencing Project, 1000 Genomes Project, or Exome Aggregation Consortium.;Patient's phenotype or family history is highly specific for a disease with a single genetic etiology.